The following is an entry in ClinVar:

ClinVar aggregate classification (germline): Uncertain significance (1 of 4 stars; one submission).

Submission:

Labcorp Genetics (formerly Invitae), Labcorp
Classification: Uncertain significance. Last evaluated: 2022-10-17. Review status: criteria provided, single submitter. Criteria: Invitae Variant Classification Sherloc (09022015). Collection method: clinical testing. Allele origin: germline.
Comment: Advanced modeling of protein sequence and biophysical properties (such as structural, functional, and spatial information, amino acid conservation, physicochemical variation, residue mobility, and thermodynamic stability) performed at Invitae indicates that this missense variant is not expected to disrupt ST14 protein function. In summary, the available evidence is currently insufficient to determine the role of this variant in disease. Therefore, it has been classified as a Variant of Uncertain Significance. This variant has not been reported in the literature in individuals affected with ST14-related conditions. This variant is not present in population databases (gnomAD no frequency). This sequence change replaces phenylalanine, which is neutral and non-polar, with leucine, which is neutral and non-polar, at codon 702 of the ST14 protein (p.Phe702Leu).

NM_021978.4(ST14):c.2106C>A (p.Phe702Leu)

Gene: ST14 (ST14 transmembrane serine protease matriptase; plus strand). Cytogenetic location: 11q24.3.
Variant type: single nucleotide variant.
Coding change: c.2106C>A on transcript NM_021978.4 (MANE Select); coding-DNA position 2106, C replaced by A.
Protein change: p.Phe702Leu; replaces phenylalanine 702 with leucine.
Molecular consequence: missense variant.
Genome position (GRCh38, 1-based): chr11:130,208,521, C>A. VCF-style: chr11-130208521-C-A. GRCh37 (hg19) VCF-style: chr11-130078416-C-A.
Other names: short protein forms F702L.
Identifiers: ClinVar variation 2020333 (VCV002020333.4), dbSNP rs2540764065, ClinGen allele CA383323068.